The following is an entry in ClinVar:

NC_000002.12:g.(?_214728666)_(214809579_?)del

Genes: BARD1 (BRCA1 associated RING domain 1; minus strand), LOC129935540 (ATAC-STARR-seq lymphoblastoid active region 17070; plus strand), LOC129935543 (ATAC-STARR-seq lymphoblastoid active region 17073; plus strand), LOC129935542 (ATAC-STARR-seq lymphoblastoid active region 17072; plus strand), LOC129935541 (ATAC-STARR-seq lymphoblastoid active region 17071; plus strand). Cytogenetic location: 2q35.
Variant type: Deletion.
Identifiers: ClinVar variation 660670 (VCV000660670.3).

ClinVar aggregate classification (germline): Pathogenic (1 of 4 stars; one submission).

Conditions:
Familial cancer of breast. Also called: Hereditary breast cancer; hereditary breast carcinoma; BREAST CANCER, FAMILIAL. Identifiers: Orphanet 227535, MedGen C0346153, MONDO:0016419, OMIM 114480. Disease mechanism: loss of function.

Submission:

Labcorp Genetics (formerly Invitae), Labcorp
Classification: Pathogenic for Hereditary Breast Carcinoma. Last evaluated: 2019-11-10. Review status: criteria provided, single submitter. Criteria: Invitae Variant Classification Sherloc (09022015). Collection method: clinical testing. Allele origin: germline.
Comment: A gross deletion of the genomic region encompassing the full coding sequence of the BARD1 gene has been identified. The boundaries of this event are unknown as the deletion extends beyond the assayed region for this gene and therefore may encompass additional genes. A similar deletion has been observed in an individual affected with breast cancer (PMID: 20842729). Loss-of-function variants in BARD1 are known to be pathogenic (PMID: 20077502, 21344236). For these reasons, this variant has been classified as Pathogenic.

Literature cited by the submitters: PubMed 20842729.